The following is an entry in ClinVar:

NM_003870.4(IQGAP1):c.3993C>T (p.Leu1331=)

Gene: IQGAP1 (IQ motif containing GTPase activating protein 1; plus strand). Cytogenetic location: 15q26.1.
Variant type: single nucleotide variant.
Coding change: c.3993C>T on transcript NM_003870.4 (MANE Select); coding-DNA position 3993, C replaced by T.
Protein change: p.Leu1331=; no amino-acid change (leucine 1331 retained).
Molecular consequence: synonymous variant.
Genome position (GRCh38, 1-based): chr15:90,486,101, C>T. VCF-style: chr15-90486101-C-T. GRCh37 (hg19) VCF-style: chr15-91029333-C-T.
Identifiers: ClinVar variation 2645706 (VCV002645706.24), dbSNP rs370762117, ClinGen allele CA7737242.
Genomic context (GRCh38, chr15:90,486,101, plus strand): 5'-TCACCAGGATGCCATTGCTCCGGAGCACAATGATCCAATCCACGAACTGCTGGACGACCT[C>T]GGCGAGGTGCCCACCATCGAGTCCCTGATAGGTAGAGTTCTAACTTTTGCCTGGAAGATC-3'
Protein context (NP_003861.1, residues 1321-1341): NDPIHELLDD[Leu1331=]GEVPTIESLI

ClinVar aggregate classification (germline): Likely benign (1 of 4 stars; one submission).

Allele frequency attached by ClinVar (database versions not stated): gnomAD exomes 0.00002; ExAC 0.00003; gnomAD 0.00003; TOPMed 0.00004; ESP Exome Variant Server 0.00008.
gnomAD v4.1: 44 of 1,613,650 alleles (0.0027%); highest among the groups gnomAD compares: Admixed American, 0.012%; no homozygotes.

Submission:

CeGaT Center for Human Genetics Tuebingen
Classification: Likely benign. Last evaluated: 2023-05-01. Review status: criteria provided, single submitter. Criteria: CeGaT Center For Human Genetics Tuebingen Variant Classification Criteria Version 2. Collection method: clinical testing. Allele origin: germline. Affected: yes. Observed: 2 variant alleles.
Comment: IQGAP1: BP4, BP7